The following is an entry in ClinVar:

NM_030973.4(MED25):c.638T>C (p.Val213Ala)

Gene: MED25 (mediator complex subunit 25; plus strand). Cytogenetic location: 19q13.33.
Variant type: single nucleotide variant.
Coding change: c.638T>C on transcript NM_030973.4 (MANE Select); coding-DNA position 638, T replaced by C.
Protein change: p.Val213Ala; replaces valine 213 with alanine.
Molecular consequence: missense variant.
Genome position (GRCh38, 1-based): chr19:49,829,898, T>C. VCF-style: chr19-49829898-T-C. GRCh37 (hg19) VCF-style: chr19-50333155-T-C.
Other names: c.638T>C, p.Val213Ala (NM_001378355.1); short protein forms V213A.
Identifiers: ClinVar variation 409954 (VCV000409954.14), dbSNP rs144892223, ClinGen allele CA9584944.
Genomic context (GRCh38, chr19:49,829,898, plus strand): 5'-TTCTGTTTGAGAAGGCAGCCCCCCCGGCCTTGCTGGAGCCGCTGCAGCCTCCGACAGATG[T>C]GAGCCAGGACCCGAGGCACATGGTGCTGGTTCGGGGACTCGTGCTGCCTGGTGAGGCCTG-3'
Protein context (NP_112235.2, residues 203-223): LLEPLQPPTD[Val213Ala]SQDPRHMVLV

ClinVar aggregate classification (germline): Likely benign. Review status: criteria provided, single submitter (1 of 4 stars). 2 submissions from 2 submitters: Likely benign (1). 1 of the submissions does not count toward it. Last evaluated 2025-12-29.

Conditions:
MED25-related disorder. Also called: MED25-related condition.
Charcot-Marie-Tooth disease type 2. Also called: Charcot-Marie-Tooth type 2. Identifiers: Orphanet 64746, MedGen C0270914, MONDO:0018993.

Allele frequency attached by ClinVar (database versions not stated): gnomAD 0.00076 and 0.00081; gnomAD exomes 0.00017 and 0.00007; 1000 Genomes Project 30x 0.00031; 1000 Genomes Project 0.00040; ESP Exome Variant Server 0.00108.
gnomAD v4.1: 223 of 1,613,466 alleles (0.014%); highest among the groups gnomAD compares: African/African-American, 0.25%; no homozygotes.

Submissions (2):

Labcorp Genetics (formerly Invitae), Labcorp
Classification: Likely benign for Charcot-Marie-Tooth disease type 2. Last evaluated: 2025-12-29. Review status: criteria provided, single submitter. Criteria: Invitae Variant Classification Sherloc (09022015). Collection method: clinical testing. Allele origin: germline.

PreventionGenetics, part of Exact Sciences
Classification: Likely benign for MED25-related condition. Last evaluated: 2022-07-21. Review status: no assertion criteria provided. Collection method: clinical testing. Allele origin: germline. Not counted in ClinVar's aggregate classification.
Comment: This variant is classified as likely benign based on ACMG/AMP sequence variant interpretation guidelines (Richards et al. 2015 PMID: 25741868, with internal and published modifications).